The following is an entry in ClinVar:

ClinVar aggregate classification (germline): Conflicting classifications of pathogenicity. Review status: criteria provided, conflicting classifications (1 of 4 stars). 2 submissions from 2 submitters: Uncertain significance (1); Benign (1). Last evaluated 2024-05-15.

Conditions:
Congenital contractural arachnodactyly (CCA). Also called: BEALS SYNDROME; Beals-Hecht syndrome; Arthrogryposis, distal, type 9. Identifiers: Orphanet 115, MedGen C0220668, MONDO:0007363, OMIM 121050.

Allele frequency attached by ClinVar (database versions not stated): 1000 Genomes Project 30x 0.00016.

Submissions (2):

Labcorp Genetics (formerly Invitae), Labcorp
Classification: Benign for Congenital contractural arachnodactyly. Last evaluated: 2024-05-15. Review status: criteria provided, single submitter. Criteria: Invitae Variant Classification Sherloc (09022015). Collection method: clinical testing. Allele origin: germline.

GeneDx
Classification: Uncertain significance. Last evaluated: 2024-02-22. Review status: criteria provided, single submitter. Criteria: GeneDx Variant Classification Process June 2021. Collection method: clinical testing. Allele origin: germline. Affected: yes.
Comment: Has not been previously published as pathogenic or benign to our knowledge; Not observed at significant frequency in large population cohorts (gnomAD); In silico analysis supports that this missense variant has a deleterious effect on protein structure/function

NM_001999.4(FBN2):c.788G>A (p.Arg263Gln)

Gene: FBN2 (fibrillin 2; minus strand). Cytogenetic location: 5q23.3.
Variant type: single nucleotide variant.
Coding change: c.788G>A on transcript NM_001999.4 (MANE Select); coding-DNA position 788, G replaced by A.
Protein change: p.Arg263Gln; replaces arginine 263 with glutamine.
Molecular consequence: missense variant.
Genome position (GRCh38, 1-based): chr5:128,464,762, C>T on the plus strand (G>A on the coding strand, the complement: FBN2 is on the minus strand). VCF-style: chr5-128464762-C-T. GRCh37 (hg19) VCF-style: chr5-127800455-C-T.
Other names: short protein forms R263Q.
Identifiers: ClinVar variation 664304 (VCV000664304.7), dbSNP rs769593495, ClinGen allele CA3396006.